The following is an entry in ClinVar:

NM_001042492.3(NF1):c.2114T>C (p.Val705Ala)

Gene: NF1 (neurofibromin 1; plus strand). Cytogenetic location: 17q11.2.
Variant type: single nucleotide variant.
Coding change: c.2114T>C on transcript NM_001042492.3 (MANE Select); coding-DNA position 2114, T replaced by C.
Protein change: p.Val705Ala; replaces valine 705 with alanine.
Molecular consequence: missense variant.
Genome position (GRCh38, 1-based): chr17:31,226,547, T>C. VCF-style: chr17-31226547-T-C. GRCh37 (hg19) VCF-style: chr17-29553565-T-C.
Other names: c.2114T>C, p.Val705Ala (NM_000267.4); short protein forms V705A.
Identifiers: ClinVar variation 4615823 (VCV004615823.1).
Genomic context (GRCh38, chr17:31,226,547, plus strand): 5'-CCAAACTAGAAGTGGCCCTGTACATGTTTCTGTGGAACCCTGACACTGAAGCTGTTCTGG[T>C]TGCCATGTCCTGTTTCCGCCACCTCTGTGAGGAAGCAGATATCCGGTGTGGGGTGGATGA-3'
Protein context (NP_001035957.1, residues 695-715): LWNPDTEAVL[Val705Ala]AMSCFRHLCE

ClinVar aggregate classification (germline): Uncertain significance (1 of 4 stars; one submission).

Conditions:
Cardiovascular phenotype. Identifiers: MedGen CN230736.
Hereditary cancer-predisposing syndrome. Also called: Neoplastic Syndromes, Hereditary; Tumor predisposition; Hereditary Cancer Syndrome; Hereditary neoplastic syndrome. Identifiers: Orphanet 140162, MedGen C0027672, MeSH D009386, MONDO:0015356.

Submission:

Ambry Genetics
Classification: Uncertain significance for Cardiovascular phenotype; Hereditary cancer-predisposing syndrome. Last evaluated: 2025-12-03. Review status: criteria provided, single submitter. Criteria: Ambry Variant Classification Scheme 2023. Collection method: clinical testing. Allele origin: germline.
Comment: The p.V705A variant (also known as c.2114T>C), located in coding exon 18 of the NF1 gene, results from a T to C substitution at nucleotide position 2114. The valine at codon 705 is replaced by alanine, an amino acid with similar properties. This amino acid position is highly conserved in available vertebrate species. In addition, the in silico prediction for this alteration is inconclusive. Based on the available evidence, the clinical significance of this variant remains unclear.